The following is an entry in ClinVar:

ClinVar aggregate classification (germline): Uncertain significance (3 of 4 stars; one submission).

Conditions:
Open-angle glaucoma. Identifiers: MedGen C0017612, MONDO:0005338, HP:0012108.

Allele frequency attached by ClinVar (database versions not stated): gnomAD exomes below 0.00001.
gnomAD v4.1: 1 of 1,614,148 alleles (0.000062%); highest among the groups gnomAD compares: Non-Finnish European, 0.000085%; no homozygotes.

Submission:

ClinGen Glaucoma Variant Curation Expert Panel
Classification: Uncertain significance for Open-angle glaucoma. Last evaluated: 2025-10-08. Review status: reviewed by expert panel. Criteria: ClinGen Glaucoma ACMG Specifications V2.0.0 Approved. Collection method: curation. Allele origin: germline. Inheritance: Autosomal dominant inheritance.
Comment: The c.1025G>A variant in MYOC is a missense variant predicted to cause substitution of Arginine by Lysine at amino acid 342 (p.Arg342Lys). The highest minor allele frequency of this variant was in the European (non-Finnish) population of gnomAD (v4.1.0) = 0.0000008474 (1 allele out of 1,180,018), which met the ≤ 0.0001 threshold set for PM2_Supporting in a population of at least 10,000 alleles. The REVEL score = 0.649, which was within the 0.644-0.772 range for PP3, predicting a damaging effect on MYOC function. There was no functional evidence predicting a damaging or benign impact of this variant on MYOC function. 2 probands with primary open angle glaucoma have been reported carrying this variant (PMID: 12362081), which met PS4_Supporting (≥ 2 probands). In summary, this variant met the criteria to receive a score of 3 and to be classified as a variant of uncertain significance (uncertain significance classification range -1 to 5, adapted from PMID: 32720330) for primary open angle glaucoma based on the ACMG/AMP criteria met, as specified by the ClinGen Glaucoma VCEP (v2.0.0, 5 Dec 2024): PP3, PS4_Supporting, PM2_Supporting

NM_000261.2(MYOC):c.1025G>A (p.Arg342Lys)

Gene: MYOC (myocilin; minus strand). Cytogenetic location: 1q24.3.
Variant type: single nucleotide variant.
Coding change: c.1025G>A on transcript NM_000261.2 (MANE Select); coding-DNA position 1025, G replaced by A.
Protein change: p.Arg342Lys; replaces arginine 342 with lysine.
Molecular consequence: missense variant.
Genome position (GRCh38, 1-based): chr1:171,636,415, C>T on the plus strand (G>A on the coding strand, the complement: MYOC is on the minus strand). VCF-style: chr1-171636415-C-T. GRCh37 (hg19) VCF-style: chr1-171605555-C-T.
Other names: NM_000261.2:c.1025G>A; short protein forms R342K.
Identifiers: ClinVar variation 1723162 (VCV001723162.2), dbSNP rs2527839334, ClinGen allele CA343725043.